The following is an entry in ClinVar:

NM_001330588.2(TPP2):c.2629-143C>T

Gene: TPP2 (tripeptidyl peptidase 2; plus strand). Cytogenetic location: 13q33.1.
Variant type: single nucleotide variant.
Coding change: c.2629-143C>T on transcript NM_001330588.2 (MANE Select); 143 bases into the intron before coding-DNA position 2629, C replaced by T.
Molecular consequence: intron variant.
Genome position (GRCh38, 1-based): chr13:102,648,764, C>T. VCF-style: chr13-102648764-C-T. GRCh37 (hg19) VCF-style: chr13-103301114-C-T.
Other names: c.2629-143C>T (NM_001367947.1, NM_003291.4).
Identifiers: ClinVar variation 4882876 (VCV004882876.2).

ClinVar aggregate classification (germline): Uncertain significance (1 of 4 stars; one submission).

gnomAD v4.1: 26 of 1,117,202 alleles (0.0023%); highest among the groups gnomAD compares: African/African-American, 0.032%; no homozygotes.

Submission:

Dasa
Classification: Uncertain significance. Last evaluated: 2025-08-10. Review status: criteria provided, single submitter. Criteria: DASA Assertion Criteria. Collection method: clinical testing. Allele origin: germline.
Comment: NM_001330588.2(TPP2):c.2629-143C>T is an intronic variant. This variant is rare in population databases. The currently available literature and clinical evidence are not sufficient to establish a definitive association between this variant and the reported condition. Therefore, this variant is classified as a variant of uncertain significance.